The following is an entry in ClinVar:

ClinVar aggregate classification (germline): Uncertain significance. Review status: criteria provided, multiple submitters, no conflicts (2 of 4 stars). 3 submissions from 3 submitters: Uncertain significance (3). Last evaluated 2025-04-08.

Allele frequency attached by ClinVar (database versions not stated): gnomAD 0.00001; gnomAD exomes 0.00001; TOPMed below 0.00001.
gnomAD v4.1: 8 of 1,599,648 alleles (0.0005%); highest among the groups gnomAD compares: Admixed American, 0.0017%; no homozygotes.

Submissions (3):

Ambry Genetics
Classification: Uncertain significance. Last evaluated: 2025-04-08. Review status: criteria provided, single submitter. Criteria: Ambry Variant Classification Scheme 2023. Collection method: clinical testing. Allele origin: germline.

Women's Health and Genetics/Laboratory Corporation of America, LabCorp
Classification: Uncertain significance. Last evaluated: 2024-02-26. Review status: criteria provided, single submitter. Criteria: LabCorp Variant Classification Summary - May 2015. Collection method: clinical testing. Allele origin: germline.
Comment: Variant summary: BICRA c.1399C>T (p.Pro467Ser) results in a non-conservative amino acid change in the encoded protein sequence. Three of five in-silico tools predict a benign effect of the variant on protein function. The variant allele was found at a frequency of 1e-05 in 766550 control chromosomes. The available data on variant occurrences in the general population are insufficient to allow any conclusion about variant significance. To our knowledge, no occurrence of c.1399C>T in individuals affected with Coffin-Siris Syndrome 12 and no experimental evidence demonstrating its impact on protein function have been reported. ClinVar contains an entry for this variant (Variation ID: 1344996). Based on the evidence outlined above, the variant was classified as uncertain significance.

GeneDx
Classification: Uncertain significance. Last evaluated: 2021-09-17. Review status: criteria provided, single submitter. Criteria: GeneDx Variant Classification Process June 2021. Collection method: clinical testing. Allele origin: germline. Affected: yes.
Comment: Has not been previously published as pathogenic or benign to our knowledge; In silico analysis supports that this missense variant does not alter protein structure/function

NM_001394372.1(BICRA):c.1399C>T (p.Pro467Ser)

Gene: BICRA (BRD4 interacting chromatin remodeling complex associated protein; plus strand). Cytogenetic location: 19q13.33.
Variant type: single nucleotide variant.
Coding change: c.1399C>T on transcript NM_001394372.1 (MANE Select); coding-DNA position 1399, C replaced by T.
Protein change: p.Pro467Ser; replaces proline 467 with serine.
Molecular consequence: missense variant.
Genome position (GRCh38, 1-based): chr19:47,680,569, C>T. VCF-style: chr19-47680569-C-T. GRCh37 (hg19) VCF-style: chr19-48183826-C-T.
Other names: c.1399C>T, p.Pro467Ser (NM_015711.3); short protein forms P467S.
Identifiers: ClinVar variation 1344996 (VCV001344996.5), dbSNP rs1272044786, ClinGen allele CA406613145.
Genomic context (GRCh38, chr19:47,680,569, plus strand): 5'-ATGAGCGTCCACCTCCTGAACCAAGGCAGCAGCATCGTCATCCCCGCCCAGCACATGCTG[C>T]CGGGCCAGAACCAGTTCCTACTGCCTGGCGCCCCGGCGGTCCAGCTCCCGCAGCAGCTCT-3'
Protein context (NP_001381301.1, residues 457-477): SIVIPAQHML[Pro467Ser]GQNQFLLPGA